The following is an entry in ClinVar:

ClinVar aggregate classification (germline): Uncertain significance (1 of 4 stars; one submission).

Submission:

CeGaT Center for Human Genetics Tuebingen
Classification: Uncertain significance. Last evaluated: 2026-04-01. Review status: criteria provided, single submitter. Criteria: CeGaT Center For Human Genetics Tuebingen Variant Classification Criteria Version 2. Collection method: clinical testing. Allele origin: germline. Affected: yes. Observed: 1 variant allele.
Comment: BARD1: PM2

NM_000465.4(BARD1):c.560C>G (p.Pro187Arg)

Gene: BARD1 (BRCA1 associated RING domain 1; minus strand). Cytogenetic location: 2q35.
Variant type: single nucleotide variant.
Coding change: c.560C>G on transcript NM_000465.4 (MANE Select); coding-DNA position 560, C replaced by G.
Protein change: p.Pro187Arg; replaces proline 187 with arginine.
Molecular consequence: missense variant. On other transcripts: non-coding transcript variant (2), intron variant (3).
Genome position (GRCh38, 1-based): chr2:214,781,314, G>C on the plus strand (C>G on the coding strand, the complement: BARD1 is on the minus strand). VCF-style: chr2-214781314-G-C. GRCh37 (hg19) VCF-style: chr2-215646038-G-C.
Other names: c.503C>G, p.Pro168Arg (NM_001282543.2); c.158+28098C>G (NM_001282548.2); c.215+15747C>G (NM_001282545.2); c.364+10983C>G (NM_001282549.2); short protein forms P168R, P187R.
Identifiers: ClinVar variation 4874693 (VCV004874693.2).
Genomic context (GRCh38, chr2:214,781,314, plus strand): 5'-TTTTGCTTTTTTCCAGATCTTGCAGAAGCCTTTTTAGCCCTCTCAGAAACATCTGCAGGA[G>C]GACTTGGGGAAACAAATTCATATGAGTCTTGCTGAGCACTTGCATCTTTTTTTATTGCAG-3'
Protein context (NP_000456.2, residues 177-197): QDSYEFVSPS[Pro187Arg]PADVSERAKK